The following is an entry in ClinVar:

GRCh38/hg38 15q11.2-13.1(chr15:23494211-28281294)x1

Genes: ATP10A (ATPase phospholipid transporting 10A (putative); minus strand), ATP10A-DT (ATP10A divergent transcript; plus strand), GABRA5 (gamma-aminobutyric acid type A receptor subunit alpha5; plus strand), GABRB3 (gamma-aminobutyric acid type A receptor subunit beta3; minus strand), GABRG3 (gamma-aminobutyric acid type A receptor subunit gamma3; plus strand) and 137 more. Cytogenetic location: 15q11.2-13.1.
Variant type: copy number loss.
Change: copy number 1 (one copy instead of two) of chr15:23,494,211-28,281,294 (4.79 Mb, GRCh38 coordinates, 1-based), cytogenetic band 15q11.2-13.1.
Identifiers: ClinVar variation 58633 (VCV000058633.1).

ClinVar aggregate classification (germline): Pathogenic (1 of 4 stars; one submission).

Submission:

ISCA site 15
Classification: Pathogenic. Last evaluated: 2011-08-12. Review status: criteria provided, single submitter. Criteria: Kaminsky et al. (Genet Med. 2011). Collection method: clinical testing. Allele origin: unknown. Affected: yes. Observed: 1 variant allele.
Comment: Copy number variation identified through the course of routine clinical cytogenomic testing in postnatal populations. Clinical assertions have been curated as described in Kaminsky et al. 2011.